The following is an entry in ClinVar:

NM_000051.4(ATM):c.5834C>G (p.Ala1945Gly)

Genes: ATM (ATM serine/threonine kinase; plus strand), C11orf65 (chromosome 11 open reading frame 65; minus strand). Cytogenetic location: 11q22.3.
Variant type: single nucleotide variant.
Coding change: c.5834C>G on transcript NM_000051.4 (MANE Select); coding-DNA position 5834, C replaced by G.
Protein change: p.Ala1945Gly; replaces alanine 1945 with glycine.
Molecular consequence: missense variant. On other transcripts: intron variant (2).
Genome position (GRCh38, 1-based): chr11:108,310,231, C>G. VCF-style: chr11-108310231-C-G. GRCh37 (hg19) VCF-style: chr11-108180958-C-G.
Other names: c.5834C>G, p.Ala1945Gly (NM_001351834.2); c.641-1160G>C (NM_001330368.2); c.*39-1160G>C (NM_001351110.2); short protein forms A1945G.
Identifiers: ClinVar variation 2837250 (VCV002837250.3), dbSNP rs1356309376, ClinGen allele CA382548424.

ClinVar aggregate classification (germline): Uncertain significance (1 of 4 stars; one submission).

Conditions:
Ataxia-telangiectasia syndrome (AT). Also called: LOUIS-BAR SYNDROME; Cerebello-oculocutaneous telangiectasia; Immunodeficiency with ataxia telangiectasia; Ataxia telangiectasia (A-T); Ataxia-telangiectasia, complementation group D; AT, COMPLEMENTATION GROUP C. Identifiers: Orphanet 100, MedGen C0004135, MONDO:0008840, OMIM 208900.

Submission:

Labcorp Genetics (formerly Invitae), Labcorp
Classification: Uncertain significance for Ataxia-telangiectasia syndrome. Last evaluated: 2025-12-01. Review status: criteria provided, single submitter. Criteria: Invitae Variant Classification Sherloc (09022015). Collection method: clinical testing. Allele origin: germline.
Comment: This sequence change replaces alanine, which is neutral and non-polar, with glycine, which is neutral and non-polar, at codon 1945 of the ATM protein (p.Ala1945Gly). This variant is not present in population databases (gnomAD no frequency). This variant has not been reported in the literature in individuals affected with ATM-related conditions. ClinVar contains an entry for this variant (Variation ID: 2837250). Invitae Evidence Modeling of protein sequence and biophysical properties (such as structural, functional, and spatial information, amino acid conservation, physicochemical variation, residue mobility, and thermodynamic stability) has been performed for this missense variant. However, the output from this modeling did not meet the statistical confidence thresholds required to predict the impact of this variant on ATM protein function. Algorithms developed to predict the effect of sequence changes on RNA splicing suggest that this variant may create or strengthen a splice site. In summary, the available evidence is currently insufficient to determine the role of this variant in disease. Therefore, it has been classified as a Variant of Uncertain Significance.